The following is an entry in ClinVar:

NM_001304561.2(BTNL2):c.1009G>A (p.Gly337Arg)

Genes: BTNL2 (butyrophilin like 2), TSBP1-AS1 (TSBP1 and BTNL2 antisense RNA 1). Cytogenetic location: 6p21.32.
Variant type: single nucleotide variant.
Coding change: c.1009G>A on transcript NM_001304561.2 (MANE Select); coding-DNA position 1009, G replaced by A.
Protein change: p.Gly337Arg; replaces glycine 337 with arginine.
Molecular consequence: missense variant.
Genome position (GRCh38, 1-based): chr6:32,396,108, C>T on the plus strand (G>A on the coding strand, the complement: BTNL2 is on the minus strand). VCF-style: chr6-32396108-C-T. GRCh37 (hg19) VCF-style: chr6-32363885-C-T.
Other names: NM_019602.1:c.1009G>A; short protein forms G337R.
Identifiers: ClinVar variation 3826029 (VCV003826029.2).
Genomic context (GRCh38, chr6:32,396,108, plus strand): 5'-TCAGATCCAAACTGGCCTCCTGGTAGACATCATCTTTTTCAAAAAGGCAGCGGTACTGCC[C>T]GTCGTCCGAAGGTCTGGCACTGAGTATCTGCAGGGTCAGTCTGCCCTCGTCAATGGCGTC-3'
Protein context (NP_001291490.1, residues 327-347): QILSARPSDD[Gly337Arg]QYRCLFEKDD

ClinVar aggregate classification (germline): Uncertain significance. Review status: criteria provided, multiple submitters, no conflicts (2 of 4 stars). 2 submissions from 2 submitters: Uncertain significance (2). Last evaluated 2025-11-11.

gnomAD v4.1: 22 of 1,613,062 alleles (0.0014%); highest among the groups gnomAD compares: African/African-American, 0.0053%; no homozygotes.

Submissions (2):

Women's Health and Genetics/Laboratory Corporation of America, LabCorp
Classification: Uncertain significance. Last evaluated: 2025-11-11. Review status: criteria provided, single submitter. Criteria: LabCorp Variant Classification Summary - May 2015. Collection method: clinical testing. Allele origin: germline.
Comment: Variant summary: BTNL2 c.1009G>A (p.Gly337Arg) results in a non-conservative amino acid change in the encoded protein sequence. Algorithms developed to predict the effect of missense changes on protein structure and function are either unavailable or do not agree on the potential impact of this missense change. The variant allele was found at a frequency of 4.1e-06 in 246536 control chromosomes. The available data on variant occurrences in the general population are insufficient to allow any conclusion about variant significance. To our knowledge, no occurrence of c.1009G>A in individuals affected with BTNL2-related conditions and no experimental evidence demonstrating its impact on protein function have been reported. ClinVar contains an entry for this variant (Variation ID: 3826029). Based on the evidence outlined above, the variant was classified as uncertain significance.

Ambry Genetics
Classification: Uncertain significance. Last evaluated: 2025-01-09. Review status: criteria provided, single submitter. Criteria: Ambry Variant Classification Scheme 2023. Collection method: clinical testing. Allele origin: germline.